The following is an entry in ClinVar:

ClinVar aggregate classification (germline): Benign (0 of 4 stars; one submission).

Conditions:
RABL3-related disorder. Also called: RABL3-related condition.

Allele frequency attached by ClinVar (database versions not stated): TOPMed 0.00053; 1000 Genomes Project 30x 0.00062; ESP Exome Variant Server 0.00062; 1000 Genomes Project 0.00080; gnomAD exomes 0.00159; ExAC 0.00298; gnomAD 0.00306.
gnomAD v4.1: 2,769 of 1,609,376 alleles (0.17%); highest among the groups gnomAD compares: Non-Finnish European, 0.071%; 35 homozygotes.

Submission:

PreventionGenetics, part of Exact Sciences
Classification: Benign for RABL3-related condition. Last evaluated: 2020-01-03. Review status: no assertion criteria provided. Collection method: clinical testing. Allele origin: germline.
Comment: This variant is classified as benign based on ACMG/AMP sequence variant interpretation guidelines (Richards et al. 2015 PMID: 25741868, with internal and published modifications).

NM_173825.5(RABL3):c.646-8G>C

Gene: RABL3 (RAB, member of RAS oncogene family like 3; minus strand). Cytogenetic location: 3q13.33.
Variant type: single nucleotide variant.
Coding change: c.646-8G>C on transcript NM_173825.5 (MANE Select); 8 bases into the intron before coding-DNA position 646, G replaced by C.
Molecular consequence: intron variant.
Genome position (GRCh38, 1-based): chr3:120,689,896, C>G on the plus strand (G>C on the coding strand, the complement: RABL3 is on the minus strand). VCF-style: chr3-120689896-C-G. GRCh37 (hg19) VCF-style: chr3-120408743-C-G.
Other names: c.574-8G>C (NM_001363964.1); c.688-8G>C (NM_001363965.1).
Identifiers: ClinVar variation 3037805 (VCV003037805.2), dbSNP rs200208680, ClinGen allele CA2560439.